The following is an entry in ClinVar:

NM_014797.3(ZBTB24):c.783C>T (p.Ser261=)

Gene: ZBTB24 (zinc finger and BTB domain containing 24; minus strand). Cytogenetic location: 6q21.
Variant type: single nucleotide variant.
Coding change: c.783C>T on transcript NM_014797.3 (MANE Select); coding-DNA position 783, C replaced by T.
Protein change: p.Ser261=; no amino-acid change (serine 261 retained).
Molecular consequence: synonymous variant.
Genome position (GRCh38, 1-based): chr6:109,481,244, G>A on the plus strand (C>T on the coding strand, the complement: ZBTB24 is on the minus strand). VCF-style: chr6-109481244-G-A. GRCh37 (hg19) VCF-style: chr6-109802447-G-A.
Other names: c.783C>T, p.Ser261= (NM_001164313.2).
Identifiers: ClinVar variation 779660 (VCV000779660.27), dbSNP rs141440344, ClinGen allele CA3954289.

ClinVar aggregate classification (germline): Benign/Likely benign. Review status: criteria provided, multiple submitters, no conflicts (2 of 4 stars). 2 submissions from 2 submitters: Benign (1); Likely benign (1). Last evaluated 2026-01-17.

Conditions:
Immunodeficiency-centromeric instability-facial anomalies syndrome 2 (ICF2). Identifiers: Orphanet 2268, MedGen C3279748, MONDO:0013553, OMIM 614069.

Allele frequency attached by ClinVar (database versions not stated): gnomAD exomes 0.00006 and 0.00021; ExAC 0.00027; gnomAD 0.00080 and 0.00081; TOPMed 0.00088; ESP Exome Variant Server 0.00115; 1000 Genomes Project 0.00140; 1000 Genomes Project 30x 0.00141.
gnomAD v4.1: 213 of 1,614,174 alleles (0.013%); highest among the groups gnomAD compares: African/African-American, 0.21%; no homozygotes.

Submissions (2):

Labcorp Genetics (formerly Invitae), Labcorp
Classification: Benign for Immunodeficiency-centromeric instability-facial anomalies syndrome 2. Last evaluated: 2026-01-17. Review status: criteria provided, single submitter. Criteria: Invitae Variant Classification Sherloc (09022015). Collection method: clinical testing. Allele origin: germline.

CeGaT Center for Human Genetics Tuebingen
Classification: Likely benign. Last evaluated: 2024-08-01. Review status: criteria provided, single submitter. Criteria: CeGaT Center For Human Genetics Tuebingen Variant Classification Criteria Version 2. Collection method: clinical testing. Allele origin: germline. Affected: yes. Observed: 1 variant allele.
Comment: ZBTB24: BP4, BP7